The following is an entry in ClinVar:

ClinVar aggregate classification (germline): Benign (0 of 4 stars; one submission).

Conditions:
DGKA-related disorder. Also called: DGKA-related condition.

Allele frequency attached by ClinVar (database versions not stated): ExAC 0.81446; TOPMed 0.84100; gnomAD 0.84118; 1000 Genomes Project 30x 0.84619; 1000 Genomes Project 0.84764; ESP Exome Variant Server 0.85338.
gnomAD v4.1: 1,310,025 of 1,612,434 alleles (81%); highest among the groups gnomAD compares: African/African-American, 93%; 533,795 homozygotes.

Submission:

PreventionGenetics, part of Exact Sciences
Classification: Benign for DGKA-related condition. Last evaluated: 2019-10-17. Review status: no assertion criteria provided. Collection method: clinical testing. Allele origin: germline.
Comment: This variant is classified as benign based on ACMG/AMP sequence variant interpretation guidelines (Richards et al. 2015 PMID: 25741868, with internal and published modifications).

NM_001345.5(DGKA):c.1173A>G (p.Gln391=)

Gene: DGKA (diacylglycerol kinase alpha; plus strand). Cytogenetic location: 12q13.2.
Variant type: single nucleotide variant.
Coding change: c.1173A>G on transcript NM_001345.5 (MANE Select); coding-DNA position 1173, A replaced by G.
Protein change: p.Gln391=; no amino-acid change (glutamine 391 retained).
Molecular consequence: synonymous variant. On other transcripts: non-coding transcript variant (2).
Genome position (GRCh38, 1-based): chr12:55,941,323, A>G. VCF-style: chr12-55941323-A-G. GRCh37 (hg19) VCF-style: chr12-56335107-A-G.
Other names: c.1173A>G, p.Gln391= (NM_001351033.2, NM_001351034.2, NM_001413596.1 and 7 more transcripts); c.1287A>G, p.Gln429= (NM_001351035.1); c.750A>G, p.Gln250= (NM_001351036.2, NM_001351037.1); c.111A>G, p.Gln37= (NM_001351038.2, NM_001351039.2, NM_001351040.2); c.1149A>G, p.Gln383= (NM_001413599.1, NM_001413600.1, NM_001413601.1); c.990A>G, p.Gln330= (NM_001413604.1).
Identifiers: ClinVar variation 3060250 (VCV003060250.2), dbSNP rs1136082, ClinGen allele CA6619486.